The following is an entry in ClinVar:

ClinVar aggregate classification (germline): Likely benign. Review status: criteria provided, multiple submitters, no conflicts (2 of 4 stars). 2 submissions from 2 submitters: Likely benign (2). Last evaluated 2026-02-18.

Conditions:
Severe early-onset pulmonary alveolar proteinosis due to MARS deficiency. Also called: PULMONARY ALVEOLAR PROTEINOSIS, REUNION ISLAND; Interstitial lung and liver disease. Identifiers: Orphanet 440427, MedGen C4225400, MONDO:0014206, OMIM 615486.
Charcot-Marie-Tooth disease axonal type 2U. Also called: CHARCOT-MARIE-TOOTH NEUROPATHY, TYPE 2U; CHARCOT-MARIE-TOOTH DISEASE, AXONAL, AUTOSOMAL DOMINANT, TYPE 2U. Identifiers: Orphanet 397735, MedGen C4084821, MONDO:0014566, OMIM 616280.

Allele frequency attached by ClinVar (database versions not stated): gnomAD 0.00011; ExAC 0.00012; gnomAD exomes 0.00013 and 0.00014; ESP Exome Variant Server 0.00008; TOPMed 0.00010.
gnomAD v4.1: 214 of 1,613,466 alleles (0.013%); highest among the groups gnomAD compares: Non-Finnish European, 0.017%; no homozygotes.

Submissions (2):

Women's Health and Genetics/Laboratory Corporation of America, LabCorp
Classification: Likely benign. Last evaluated: 2026-02-18. Review status: criteria provided, single submitter. Criteria: LabCorp Variant Classification Summary - May 2015. Collection method: clinical testing. Allele origin: germline.
Comment: Variant summary: MARS1 c.201-13T>C alters a nucleotide located at a position not widely known to affect splicing. Consensus agreement among computation tools predict no significant impact on normal splicing. However, these predictions have yet to be confirmed by functional studies. The variant allele was found at a frequency of 0.00012 in 282764 control chromosomes. This frequency is not significantly higher than estimated for disease-causing variants in MARS1, allowing no conclusion about variant significance. To our knowledge, no occurrence of c.201-13T>C in individuals affected with MARS1-related conditions and no experimental evidence demonstrating its impact on protein function have been reported. ClinVar contains an entry for this variant (Variation ID: 1681678). Based on the evidence outlined above, the variant was classified as likely benign.

Labcorp Genetics (formerly Invitae), Labcorp
Classification: Likely benign for Charcot-Marie-Tooth disease axonal type 2U; Severe early-onset pulmonary alveolar proteinosis due to MARS deficiency. Last evaluated: 2025-12-14. Review status: criteria provided, single submitter. Criteria: Invitae Variant Classification Sherloc (09022015). Collection method: clinical testing. Allele origin: germline.

NM_004990.4(MARS1):c.201-13T>C

Gene: MARS1 (methionyl-tRNA synthetase 1; plus strand). Cytogenetic location: 12q13.3.
Variant type: single nucleotide variant.
Coding change: c.201-13T>C on transcript NM_004990.4 (MANE Select); 13 bases into the intron before coding-DNA position 201, T replaced by C.
Molecular consequence: intron variant.
Genome position (GRCh38, 1-based): chr12:57,489,254, T>C. VCF-style: chr12-57489254-T-C. GRCh37 (hg19) VCF-style: chr12-57883037-T-C.
Identifiers: ClinVar variation 1681678 (VCV001681678.9), dbSNP rs201531908, ClinGen allele CA6650091.